The following is an entry in ClinVar:

ClinVar aggregate classification (germline): Uncertain significance. Review status: criteria provided, multiple submitters, no conflicts (2 of 4 stars). 2 submissions from 2 submitters: Uncertain significance (2). Last evaluated 2024-08-01.

Allele frequency attached by ClinVar (database versions not stated): gnomAD 0.00001; TOPMed 0.00001; gnomAD exomes 0.00002; ExAC 0.00004.

Submissions (2):

Women's Health and Genetics/Laboratory Corporation of America, LabCorp
Classification: Uncertain significance. Last evaluated: 2024-08-01. Review status: criteria provided, single submitter. Criteria: LabCorp Variant Classification Summary - May 2015. Collection method: clinical testing. Allele origin: germline.

Labcorp Genetics (formerly Invitae), Labcorp
Classification: Uncertain significance. Last evaluated: 2022-06-29. Review status: criteria provided, single submitter. Criteria: Invitae Variant Classification Sherloc (09022015). Collection method: clinical testing. Allele origin: germline.
Comment: This sequence change replaces arginine, which is basic and polar, with histidine, which is basic and polar, at codon 2485 of the COL7A1 protein (p.Arg2485His). This variant is present in population databases (rs767728566, gnomAD 0.02%). This variant has not been reported in the literature in individuals affected with COL7A1-related conditions. Advanced modeling of protein sequence and biophysical properties (such as structural, functional, and spatial information, amino acid conservation, physicochemical variation, residue mobility, and thermodynamic stability) performed at Invitae indicates that this missense variant is not expected to disrupt COL7A1 protein function. In summary, the available evidence is currently insufficient to determine the role of this variant in disease. Therefore, it has been classified as a Variant of Uncertain Significance.

NM_000094.4(COL7A1):c.7454G>A (p.Arg2485His)

Gene: COL7A1 (collagen type VII alpha 1 chain; minus strand). Cytogenetic location: 3p21.31.
Variant type: single nucleotide variant.
Coding change: c.7454G>A on transcript NM_000094.4 (MANE Select); coding-DNA position 7454, G replaced by A.
Protein change: p.Arg2485His; replaces arginine 2485 with histidine.
Molecular consequence: missense variant.
Genome position (GRCh38, 1-based): chr3:48,570,165, C>T on the plus strand (G>A on the coding strand, the complement: COL7A1 is on the minus strand). VCF-style: chr3-48570165-C-T. GRCh37 (hg19) VCF-style: chr3-48607598-C-T.
Other names: short protein forms R2485H.
Identifiers: ClinVar variation 2182070 (VCV002182070.2), dbSNP rs767728566, ClinGen allele CA2378495.